The following is an entry in ClinVar:

NM_205861.3(DHDDS):c.542+11T>C

Gene: DHDDS (dehydrodolichyl diphosphate synthase subunit; plus strand). Cytogenetic location: 1p36.11.
Variant type: single nucleotide variant.
Coding change: c.542+11T>C on transcript NM_205861.3 (MANE Select); 11 bases into the intron after coding-DNA position 542, T replaced by C.
Molecular consequence: intron variant.
Genome position (GRCh38, 1-based): chr1:26,447,671, T>C. VCF-style: chr1-26447671-T-C. GRCh37 (hg19) VCF-style: chr1-26774162-T-C.
Other names: c.263+11T>C (NM_001319959.2); c.542+11T>C (NM_024887.4); c.440+1239T>C (NM_001243564.2); c.425+11T>C (NM_001243565.2).
Identifiers: ClinVar variation 2822705 (VCV002822705.3), dbSNP rs1268905536, ClinGen allele CA521906801.

ClinVar aggregate classification (germline): Uncertain significance (1 of 4 stars; one submission).

Conditions:
Retinitis pigmentosa 59 (RP59). Identifiers: Orphanet 791, MedGen C3151227, MONDO:0013468, OMIM 613861.

Allele frequency attached by ClinVar (database versions not stated): gnomAD exomes 0.00001.
gnomAD v4.1: 3 of 1,610,354 alleles (0.00019%); highest among the groups gnomAD compares: Admixed American, 0.0017%; no homozygotes.

Submission:

Labcorp Genetics (formerly Invitae), Labcorp
Classification: Uncertain significance for Retinitis pigmentosa 59. Last evaluated: 2023-07-25. Review status: criteria provided, single submitter. Criteria: Invitae Variant Classification Sherloc (09022015). Collection method: clinical testing. Allele origin: germline.
Comment: This variant is present in population databases (no rsID available, gnomAD 0.004%). This sequence change falls in intron 6 of the DHDDS gene. It does not directly change the encoded amino acid sequence of the DHDDS protein. This variant has not been reported in the literature in individuals affected with DHDDS-related conditions. Algorithms developed to predict the effect of sequence changes on RNA splicing suggest that this variant may create or strengthen a splice site. In summary, the available evidence is currently insufficient to determine the role of this variant in disease. Therefore, it has been classified as a Variant of Uncertain Significance.